The following is an entry in ClinVar:

ClinVar aggregate classification (germline): Uncertain significance (1 of 4 stars; one submission).

Conditions:
Epidermodysplasia verruciformis. Identifiers: Orphanet 302, MedGen C0014522, MONDO:0009176.

Allele frequency attached by ClinVar (database versions not stated): TOPMed below 0.00001; ExAC 0.00001; gnomAD 0.00001; gnomAD exomes 0.00001.

Submission:

Labcorp Genetics (formerly Invitae), Labcorp
Classification: Uncertain significance for Epidermodysplasia verruciformis. Last evaluated: 2023-11-27. Review status: criteria provided, single submitter. Criteria: Invitae Variant Classification Sherloc (09022015). Collection method: clinical testing. Allele origin: germline.
Comment: This sequence change replaces serine, which is neutral and polar, with asparagine, which is neutral and polar, at codon 500 of the TMC8 protein (p.Ser500Asn). This variant is present in population databases (rs754440009, gnomAD 0.02%). This variant has not been reported in the literature in individuals affected with TMC8-related conditions. ClinVar contains an entry for this variant (Variation ID: 951879). Advanced modeling of protein sequence and biophysical properties (such as structural, functional, and spatial information, amino acid conservation, physicochemical variation, residue mobility, and thermodynamic stability) performed at Invitae indicates that this missense variant is not expected to disrupt TMC8 protein function with a negative predictive value of 80%. In summary, the available evidence is currently insufficient to determine the role of this variant in disease. Therefore, it has been classified as a Variant of Uncertain Significance.

NM_152468.5(TMC8):c.1499G>A (p.Ser500Asn)

Genes: TMC8 (transmembrane channel like 8; plus strand), LOC130061795 (ATAC-STARR-seq lymphoblastoid active region 12864; plus strand). Cytogenetic location: 17q25.3.
Variant type: single nucleotide variant.
Coding change: c.1499G>A on transcript NM_152468.5 (MANE Select); coding-DNA position 1499, G replaced by A.
Protein change: p.Ser500Asn; replaces serine 500 with asparagine.
Molecular consequence: missense variant.
Genome position (GRCh38, 1-based): chr17:78,138,154, G>A. VCF-style: chr17-78138154-G-A. GRCh37 (hg19) VCF-style: chr17-76134235-G-A.
Other names: short protein forms S500N.
Identifiers: ClinVar variation 951879 (VCV000951879.7), dbSNP rs754440009, ClinGen allele CA8796881.